The following is an entry in ClinVar:

NM_033305.3(VPS13A):c.7658A>T (p.Asp2553Val)

Gene: VPS13A (vacuolar protein sorting 13 homolog A; plus strand). Cytogenetic location: 9q21.2.
Variant type: single nucleotide variant.
Coding change: c.7658A>T on transcript NM_033305.3 (MANE Select); coding-DNA position 7658, A replaced by T.
Protein change: p.Asp2553Val; replaces aspartic acid 2553 with valine.
Molecular consequence: missense variant.
Genome position (GRCh38, 1-based): chr9:77,356,719, A>T. VCF-style: chr9-77356719-A-T. GRCh37 (hg19) VCF-style: chr9-79971635-A-T.
Other names: c.7541A>T, p.Asp2514Val (NM_001018037.2); c.7658A>T, p.Asp2553Val (NM_001018038.3, NM_015186.4); short protein forms D2553V, D2514V.
Identifiers: ClinVar variation 586934 (VCV000586934.6), dbSNP rs758912053, ClinGen allele CA5093398.

ClinVar aggregate classification (germline): Uncertain significance. Review status: criteria provided, multiple submitters, no conflicts (2 of 4 stars). 4 submissions from 4 submitters: Uncertain significance (3). 1 of the submissions does not count toward it. Last evaluated 2024-04-10.

Conditions:
VPS13A-related neurodegenerative disease. Also called: LEVINE-CRITCHLEY SYNDROME; Choreoacanthocytosis; Chorea-acanthocytosis; VPS13A Disease; Choreaacanthocytosis; ACANTHOCYTOSIS WITH NEUROLOGIC DISORDER. Identifiers: Orphanet 2388, MedGen C0393576, MONDO:0008695, OMIM 200150.

Allele frequency attached by ClinVar (database versions not stated): ExAC 0.00001; gnomAD exomes 0.00001 and 0.00006; gnomAD 0.00006.
gnomAD v4.1: 84 of 1,610,800 alleles (0.0052%); highest among the groups gnomAD compares: Non-Finnish European, 0.007%; no homozygotes.

Submissions (4):

ARUP Laboratories, Molecular Genetics and Genomics, ARUP Laboratories
Classification: Uncertain significance for VPS13A-related neurodegenerative disease. Last evaluated: 2024-04-10. Review status: criteria provided, single submitter. Criteria: ARUP Molecular Germline Variant Investigation Process 2024. Collection method: clinical testing. Allele origin: germline.

Labcorp Genetics (formerly Invitae), Labcorp
Classification: Uncertain significance. Last evaluated: 2022-08-13. Review status: criteria provided, single submitter. Criteria: Invitae Variant Classification Sherloc (09022015). Collection method: clinical testing. Allele origin: germline.
Comment: This sequence change replaces aspartic acid, which is acidic and polar, with valine, which is neutral and non-polar, at codon 2553 of the VPS13A protein (p.Asp2553Val). This variant is present in population databases (rs758912053, gnomAD 0.004%). This variant has not been reported in the literature in individuals affected with VPS13A-related conditions. ClinVar contains an entry for this variant (Variation ID: 586934). Algorithms developed to predict the effect of missense changes on protein structure and function are either unavailable or do not agree on the potential impact of this missense change (SIFT: "Tolerated"; PolyPhen-2: "Probably Damaging"; Align-GVGD: "Class C0"). Algorithms developed to predict the effect of sequence changes on RNA splicing suggest that this variant may create or strengthen a splice site. In summary, the available evidence is currently insufficient to determine the role of this variant in disease. Therefore, it has been classified as a Variant of Uncertain Significance.

Athena Diagnostics
Classification: Uncertain significance. Last evaluated: 2018-04-23. Review status: criteria provided, single submitter. Criteria: Athena Diagnostics Criteria. Collection method: clinical testing. Allele origin: germline.

Natera, Inc.
Classification: Uncertain significance for Choreaacanthocytosis. Last evaluated: 2019-11-11. Review status: no assertion criteria provided. Collection method: clinical testing. Allele origin: germline. Not counted in ClinVar's aggregate classification.